The following is an entry in ClinVar:

NM_001042492.3(NF1):c.7503A>G (p.Glu2501=)

Gene: NF1 (neurofibromin 1; plus strand). Cytogenetic location: 17q11.2.
Variant type: single nucleotide variant.
Coding change: c.7503A>G on transcript NM_001042492.3 (MANE Select); coding-DNA position 7503, A replaced by G.
Protein change: p.Glu2501=; no amino-acid change (glutamic acid 2501 retained).
Molecular consequence: synonymous variant.
Genome position (GRCh38, 1-based): chr17:31,352,302, A>G. VCF-style: chr17-31352302-A-G. GRCh37 (hg19) VCF-style: chr17-29679320-A-G.
Other names: c.7440A>G, p.Glu2480= (NM_000267.4).
Identifiers: ClinVar variation 1110254 (VCV001110254.10), dbSNP rs1466552910, ClinGen allele CA499239255.

ClinVar aggregate classification (germline): Benign/Likely benign. Review status: criteria provided, multiple submitters, no conflicts (2 of 4 stars). 3 submissions from 3 submitters: Benign (1); Likely benign (2). Last evaluated 2026-05-21.

Conditions:
Neurofibromatosis, type 1 (NF1). Also called: Peripheral type neurofibromatosis; NEUROFIBROMATOSIS, TYPE I, SOMATIC; VON RECKLINGHAUSEN DISEASE; Neurofibromatosis, type I. Identifiers: Orphanet 636, MedGen C0027831, MONDO:0018975, OMIM 162200. Disease mechanism: loss of function.
Cardiovascular phenotype. Identifiers: MedGen CN230736.
Hereditary cancer-predisposing syndrome. Also called: Neoplastic Syndromes, Hereditary; Tumor predisposition; Hereditary Cancer Syndrome; Hereditary neoplastic syndrome. Identifiers: Orphanet 140162, MedGen C0027672, MeSH D009386, MONDO:0015356.

Allele frequency attached by ClinVar (database versions not stated): gnomAD exomes below 0.00001; TOPMed below 0.00001; gnomAD 0.00001.
gnomAD v4.1: 3 of 1,614,000 alleles (0.00019%); highest among the groups gnomAD compares: African/African-American, 0.0013%; no homozygotes.

Submissions (3):

Myriad Genetics, Inc.
Classification: Benign for Neurofibromatosis, type 1. Last evaluated: 2026-05-21. Review status: criteria provided, single submitter. Criteria: Myriad Autosomal Dominant, Autosomal Recessive and X-Linked Classification Criteria (2023). Collection method: clinical testing. Allele origin: unknown.
Comment: This variant is considered benign. This variant is a silent/synonymous amino acid change and it is not expected to impact splicing.

Labcorp Genetics (formerly Invitae), Labcorp
Classification: Likely benign for Neurofibromatosis, type 1. Last evaluated: 2023-10-03. Review status: criteria provided, single submitter. Criteria: Invitae Variant Classification Sherloc (09022015). Collection method: clinical testing. Allele origin: germline.

Ambry Genetics
Classification: Likely benign for Cardiovascular phenotype; Hereditary cancer-predisposing syndrome. Last evaluated: 2021-04-22. Review status: criteria provided, single submitter. Criteria: Ambry Variant Classification Scheme 2023. Collection method: clinical testing. Allele origin: germline.